The following is an entry in ClinVar:

NM_000875.5(IGF1R):c.3601G>T (p.Val1201Phe)

Gene: IGF1R (insulin like growth factor 1 receptor; plus strand). Cytogenetic location: 15q26.3.
Variant type: single nucleotide variant.
Coding change: c.3601G>T on transcript NM_000875.5 (MANE Select); coding-DNA position 3601, G replaced by T.
Protein change: p.Val1201Phe; replaces valine 1201 with phenylalanine.
Molecular consequence: missense variant.
Genome position (GRCh38, 1-based): chr15:98,948,587, G>T. VCF-style: chr15-98948587-G-T. GRCh37 (hg19) VCF-style: chr15-99491816-G-T.
Other names: c.3598G>T, p.Val1200Phe (NM_001291858.2); short protein forms V1200F, V1201F.
Identifiers: ClinVar variation 3371387 (VCV003371387.1).

ClinVar aggregate classification (germline): Uncertain significance (1 of 4 stars; one submission).

Submission:

GeneDx
Classification: Uncertain significance. Last evaluated: 2024-03-22. Review status: criteria provided, single submitter. Criteria: GeneDx Variant Classification Process June 2021. Collection method: clinical testing. Allele origin: germline. Affected: yes.
Comment: Not observed at significant frequency in large population cohorts (gnomAD); In silico analysis supports that this missense variant has a deleterious effect on protein structure/function; Has not been previously published as pathogenic or benign to our knowledge